The following is an entry in ClinVar:

NM_014847.4(UBAP2L):c.514A>G (p.Arg172Gly)

Gene: UBAP2L (ubiquitin associated protein 2 like; plus strand). Cytogenetic location: 1q21.3.
Variant type: single nucleotide variant.
Coding change: c.514A>G on transcript NM_014847.4 (MANE Select); coding-DNA position 514, A replaced by G.
Protein change: p.Arg172Gly; replaces arginine 172 with glycine.
Molecular consequence: missense variant.
Genome position (GRCh38, 1-based): chr1:154,235,261, A>G. VCF-style: chr1-154235261-A-G. GRCh37 (hg19) VCF-style: chr1-154207737-A-G.
Other names: c.514A>G, p.Arg172Gly (NM_001127320.3, NM_001375614.1, NM_001375615.1 and 14 more transcripts); c.493A>G, p.Arg165Gly (NM_001287815.1); c.547A>G, p.Arg183Gly (NM_001287816.1, NM_001330730.1, NM_001375612.1 and 2 more transcripts); short protein forms R172G, R183G, R165G.
Identifiers: ClinVar variation 4733646 (VCV004733646.1).

ClinVar aggregate classification (germline): Uncertain significance (1 of 4 stars; one submission).

Submission:

Labcorp Genetics (formerly Invitae), Labcorp
Classification: Uncertain significance. Last evaluated: 2026-01-07. Review status: criteria provided, single submitter. Criteria: Invitae Variant Classification Sherloc (09022015). Collection method: clinical testing. Allele origin: germline.
Comment: This sequence change replaces arginine, which is basic and polar, with glycine, which is neutral and non-polar, at codon 172 of the UBAP2L protein (p.Arg172Gly). This variant is not present in population databases (gnomAD no frequency). This variant has not been reported in the literature in individuals affected with UBAP2L-related conditions. Experimental studies and prediction algorithms are not available or were not evaluated, and the functional significance of this variant is currently unknown. In summary, the available evidence is currently insufficient to determine the role of this variant in disease. Therefore, it has been classified as a Variant of Uncertain Significance.